The following is an entry in ClinVar:

ClinVar aggregate classification (germline): Uncertain significance. Review status: criteria provided, multiple submitters, no conflicts (2 of 4 stars). 4 submissions from 4 submitters: Uncertain significance (3). 1 of the submissions does not count toward it. Last evaluated 2026-06-26.

Conditions:
Zellweger spectrum disorders (ZS). Also called: Zellweger syndrome; Zellweger Spectrum Disorder; Zellweger Spectrum; Zellweger Spectrum Disorder (ZSD). Identifiers: Orphanet 912, MedGen C0043459, MONDO:0019609.
PEX1-related disorder. Also called: PEX1-related condition.
Inborn genetic diseases. Identifiers: MedGen C0950123, MeSH D030342.

Allele frequency attached by ClinVar (database versions not stated): gnomAD exomes 0.00012 and 0.00005; gnomAD 0.00005; ExAC 0.00006; TOPMed 0.00008.
gnomAD v4.1: 188 of 1,613,724 alleles (0.012%); highest among the groups gnomAD compares: Non-Finnish European, 0.015%; no homozygotes.

Submissions (4):

Ambry Genetics
Classification: Uncertain significance for Inborn genetic diseases. Last evaluated: 2026-06-26. Review status: criteria provided, single submitter. Criteria: Ambry Variant Classification Scheme 2023. Collection method: clinical testing. Allele origin: germline.
Comment: The c.3623G>A (p.R1208Q) alteration is located in exon 22 (coding exon 22) of the PEX1 gene. This alteration results from a G to A substitution at nucleotide position 3623, causing the arginine (R) at amino acid position 1208 to be replaced by a glutamine (Q). Based on data from gnomAD, the A allele has an overall frequency of 0.005% (14/282256) total alleles studied. The highest observed frequency was 0.011% (4/35400) of Latino alleles. Based on insufficient or conflicting evidence, the clinical significance of this alteration remains unclear.

PreventionGenetics, part of Exact Sciences
Classification: Uncertain significance for PEX1-related condition. Last evaluated: 2025-11-26. Review status: criteria provided, single submitter. Criteria: ACMG Guidelines, 2015. Collection method: clinical testing. Allele origin: germline.
Comment: The PEX1 c.3623G>A variant is predicted to result in the amino acid substitution p.Arg1208Gln. To our knowledge, this variant has not been reported in the literature. This variant is reported in 0.011% of alleles in individuals of Latino descent in gnomAD. At this time, the clinical significance of this variant is uncertain due to the absence of conclusive functional and genetic evidence.

Labcorp Genetics (formerly Invitae), Labcorp
Classification: Uncertain significance for Zellweger spectrum disorders. Last evaluated: 2024-03-14. Review status: criteria provided, single submitter. Criteria: Invitae Variant Classification Sherloc (09022015). Collection method: clinical testing. Allele origin: germline.
Comment: This sequence change replaces arginine, which is basic and polar, with glutamine, which is neutral and polar, at codon 1208 of the PEX1 protein (p.Arg1208Gln). This variant is present in population databases (rs767337582, gnomAD 0.01%). This variant has not been reported in the literature in individuals affected with PEX1-related conditions. ClinVar contains an entry for this variant (Variation ID: 836553). Advanced modeling of protein sequence and biophysical properties (such as structural, functional, and spatial information, amino acid conservation, physicochemical variation, residue mobility, and thermodynamic stability) performed at Invitae indicates that this missense variant is not expected to disrupt PEX1 protein function with a negative predictive value of 80%. In summary, the available evidence is currently insufficient to determine the role of this variant in disease. Therefore, it has been classified as a Variant of Uncertain Significance.

Natera, Inc.
Classification: Uncertain significance for Zellweger syndrome. Last evaluated: 2018-06-09. Review status: no assertion criteria provided. Collection method: clinical testing. Allele origin: germline. Not counted in ClinVar's aggregate classification.

NM_000466.3(PEX1):c.3623G>A (p.Arg1208Gln)

Genes: GATAD1 (GATA zinc finger domain containing 1; plus strand), PEX1 (peroxisomal biogenesis factor 1; minus strand). Cytogenetic location: 7q21.2.
Variant type: single nucleotide variant.
Coding change: c.3623G>A on transcript NM_000466.3 (MANE Select); coding-DNA position 3623, G replaced by A.
Protein change: p.Arg1208Gln; replaces arginine 1208 with glutamine.
Molecular consequence: missense variant.
Genome position (GRCh38, 1-based): chr7:92,489,727, C>T on the plus strand (G>A on the coding strand, the complement: PEX1 is on the minus strand). VCF-style: chr7-92489727-C-T. GRCh37 (hg19) VCF-style: chr7-92119041-C-T.
Other names: c.3452G>A, p.Arg1151Gln (NM_001282677.2); c.2999G>A, p.Arg1000Gln (NM_001282678.2); short protein forms R1000Q, R1151Q, R1208Q.
Identifiers: ClinVar variation 836553 (VCV000836553.12), dbSNP rs767337582, ClinGen allele CA4340787.